The following is an entry in ClinVar:

ClinVar aggregate classification (germline): Pathogenic. Review status: criteria provided, single submitter (1 of 4 stars). 2 submissions from 2 submitters: Pathogenic (1). 1 of the submissions does not count toward it. Last evaluated 2025-06-01.

Conditions:
Methylmalonic aciduria due to methylmalonyl-CoA mutase deficiency (MAMM). Also called: Methylmalonic aciduria, mut type. Identifiers: Orphanet 27, MedGen C1855114, MONDO:0009612, OMIM 251000.

gnomAD v4.1: 2 of 1,614,064 alleles (0.00012%); highest among the groups gnomAD compares: Admixed American, 0.0033%; no homozygotes.

Submissions (2):

Labcorp Genetics (formerly Invitae), Labcorp
Classification: Pathogenic. Last evaluated: 2025-06-01. Review status: criteria provided, single submitter. Criteria: Invitae Variant Classification Sherloc (09022015). Collection method: clinical testing. Allele origin: germline.
Comment: This sequence change replaces arginine, which is basic and polar, with serine, which is neutral and polar, at codon 93 of the MUT protein (p.Arg93Ser). This variant is present in population databases (no rsID available, gnomAD 0.003%). This missense change has been observed in individual(s) with clinical features of methylmalonic aciduria (internal data). In at least one individual the data is consistent with being in trans (on the opposite chromosome) from a pathogenic variant. It has also been observed to segregate with disease in related individuals. ClinVar contains an entry for this variant (Variation ID: 829883). Invitae Evidence Modeling of protein sequence and biophysical properties (such as structural, functional, and spatial information, amino acid conservation, physicochemical variation, residue mobility, and thermodynamic stability) indicates that this missense variant is expected to disrupt MUT protein function with a positive predictive value of 95%. This variant disrupts the p.Arg93 amino acid residue in MUT. Other variant(s) that disrupt this residue have been determined to be pathogenic (PMID: 1670635, 7912889, 16281286, 16490061). This suggests that this residue is clinically significant, and that variants that disrupt this residue are likely to be disease-causing. For these reasons, this variant has been classified as Pathogenic.

Bioscientia Institut fuer Medizinische Diagnostik GmbH, Sonic Healthcare
Classification: Likely pathogenic for Methylmalonic aciduria due to methylmalonyl-CoA mutase deficiency. Last evaluated: 2019-08-13. Review status: no assertion criteria provided. Collection method: clinical testing. Allele origin: germline. Affected: yes. Not counted in ClinVar's aggregate classification.

Literature cited by the submitters: PubMed 1670635 (cited by Labcorp Genetics (formerly Invitae), Labcorp); PubMed 7912889 (cited by Labcorp Genetics (formerly Invitae), Labcorp); PubMed 16281286 (cited by Labcorp Genetics (formerly Invitae), Labcorp); PubMed 16490061 (cited by Labcorp Genetics (formerly Invitae), Labcorp).

NM_000255.4(MMUT):c.277C>A (p.Arg93Ser)

Gene: MMUT (methylmalonyl-CoA mutase; minus strand). Cytogenetic location: 6p12.3.
Variant type: single nucleotide variant.
Coding change: c.277C>A on transcript NM_000255.4 (MANE Select); coding-DNA position 277, C replaced by A.
Protein change: p.Arg93Ser; replaces arginine 93 with serine.
Molecular consequence: missense variant.
Genome position (GRCh38, 1-based): chr6:49,459,190, G>T on the plus strand (C>A on the coding strand, the complement: MMUT is on the minus strand). VCF-style: chr6-49459190-G-T. GRCh37 (hg19) VCF-style: chr6-49426903-G-T.
Other names: short protein forms R93S.
Identifiers: ClinVar variation 829883 (VCV000829883.6), dbSNP rs746274670, ClinGen allele CA364405093.
Genomic context (GRCh38, chr6:49,459,190, plus strand): 5'-AACCAGCATACTGGCGGATGGTCCAGGGCCTAAAGGTATACATGGTAGGATATGGTCCAC[G>T]TGTGAATGGCTTCACTCCTGGAAGTTCTTCAGGTAAGTCCATAGTATCTCTCTTGGAATA-3'
Protein context (NP_000246.2, residues 83-103): EELPGVKPFT[Arg93Ser]GPYPTMYTFR